The following is an entry in ClinVar:

ClinVar aggregate classification (germline): Uncertain significance (1 of 4 stars; one submission).

gnomAD v4.1: 3 of 1,614,098 alleles (0.00019%); highest among the groups gnomAD compares: Middle Eastern, 0.016%; no homozygotes.

Submission:

CeGaT Center for Human Genetics Tuebingen
Classification: Uncertain significance. Last evaluated: 2025-10-01. Review status: criteria provided, single submitter. Criteria: CeGaT Center For Human Genetics Tuebingen Variant Classification Criteria Version 2. Collection method: clinical testing. Allele origin: germline. Affected: yes. Observed: 1 variant allele.
Comment: PCNT: PM2, BP4

NM_006031.6(PCNT):c.4934A>G (p.Gln1645Arg)

Gene: PCNT (pericentrin; plus strand). Cytogenetic location: 21q22.3.
Variant type: single nucleotide variant.
Coding change: c.4934A>G on transcript NM_006031.6 (MANE Select); coding-DNA position 4934, A replaced by G.
Protein change: p.Gln1645Arg; replaces glutamine 1645 with arginine.
Molecular consequence: missense variant.
Genome position (GRCh38, 1-based): chr21:46,401,693, A>G. VCF-style: chr21-46401693-A-G. GRCh37 (hg19) VCF-style: chr21-47821607-A-G.
Other names: c.4580A>G, p.Gln1527Arg (NM_001315529.2); short protein forms Q1527R, Q1645R.
Identifiers: ClinVar variation 3771805 (VCV003771805.13).